The following is an entry in ClinVar:

ClinVar aggregate classification (germline): Uncertain significance (1 of 4 stars; one submission).

Conditions:
Cardiovascular phenotype. Identifiers: MedGen CN230736.

gnomAD v4.1: 3 of 1,550,386 alleles (0.00019%); highest among the groups gnomAD compares: South Asian, 0.0024%; no homozygotes.

Submission:

Ambry Genetics
Classification: Uncertain significance for Cardiovascular phenotype. Last evaluated: 2025-06-01. Review status: criteria provided, single submitter. Criteria: Ambry Variant Classification Scheme 2023. Collection method: clinical testing. Allele origin: germline.
Comment: The p.Q1690R variant (also known as c.5069A>G), located in coding exon 2 of the ZNF469 gene, results from an A to G substitution at nucleotide position 5069. The glutamine at codon 1690 is replaced by arginine, an amino acid with highly similar properties. This amino acid position is conserved. In addition, this alteration is predicted to be tolerated by in silico analysis. Based on the available evidence, the clinical significance of this variant remains unclear.

NM_001367624.2(ZNF469):c.5153A>G (p.Gln1718Arg)

Gene: ZNF469 (zinc finger protein 469; plus strand). Cytogenetic location: 16q24.2.
Variant type: single nucleotide variant.
Coding change: c.5153A>G on transcript NM_001367624.2 (MANE Select); coding-DNA position 5153, A replaced by G.
Protein change: p.Gln1718Arg; replaces glutamine 1718 with arginine.
Molecular consequence: missense variant.
Genome position (GRCh38, 1-based): chr16:88,432,623, A>G. VCF-style: chr16-88432623-A-G. GRCh37 (hg19) VCF-style: chr16-88499031-A-G.
Other names: NM_001127464.1:c.5069A>G; short protein forms Q1718R.
Identifiers: ClinVar variation 3987379 (VCV003987379.1).
Genomic context (GRCh38, chr16:88,432,623, plus strand): 5'-AGAAAGCCGGAGCCTCCAAGACTGGACTTTGCCAGGCAGAAGGAGACAGCAGGCCCCCCC[A>G]AGATGTCTGCCTGCCTGAGCCCAGCAAGCAGCCTGGCCCACAGCTGGATGCCGGGAGTTT-3'
Protein context (NP_001354553.1, residues 1708-1728): CQAEGDSRPP[Gln1718Arg]DVCLPEPSKQ